The following is an entry in ClinVar:

NM_001267550.2(TTN):c.79241G>A (p.Gly26414Asp)

Genes: TTN (titin; minus strand), TTN-AS1 (TTN antisense RNA 1; plus strand). Cytogenetic location: 2q31.2.
Variant type: single nucleotide variant.
Coding change: c.79241G>A on transcript NM_001267550.2 (MANE Select); coding-DNA position 79241, G replaced by A.
Protein change: p.Gly26414Asp; replaces glycine 26414 with aspartic acid.
Molecular consequence: missense variant.
Genome position (GRCh38, 1-based): chr2:178,566,891, C>T on the plus strand (G>A on the coding strand, the complement: TTN is on the minus strand). VCF-style: chr2-178566891-C-T. GRCh37 (hg19) VCF-style: chr2-179431618-C-T.
Other names: c.74318G>A, p.Gly24773Asp (NM_001256850.1); c.52046G>A, p.Gly17349Asp (NM_003319.4); c.71537G>A, p.Gly23846Asp (NM_133378.4); c.52421G>A, p.Gly17474Asp (NM_133432.3); c.52622G>A, p.Gly17541Asp (NM_133437.4); short protein forms G17541D, G17349D, G17474D, G23846D, G26414D, G24773D.
Identifiers: ClinVar variation 1746049 (VCV001746049.3), dbSNP rs867960496, ClinGen allele CA60990750.

ClinVar aggregate classification (germline): Uncertain significance. Review status: criteria provided, multiple submitters, no conflicts (2 of 4 stars). 2 submissions from 2 submitters: Uncertain significance (2). Last evaluated 2023-05-25.

Conditions:
TTN-related disorder. Also called: TTN-related condition; TTN-related disease; TTN-related disorders.
Cardiovascular phenotype. Identifiers: MedGen CN230736.

Allele frequency attached by ClinVar (database versions not stated): gnomAD exomes below 0.00001; TOPMed 0.00001; gnomAD 0.00003.
gnomAD v4.1: 7 of 1,613,470 alleles (0.00043%); highest among the groups gnomAD compares: African/African-American, 0.0067%; no homozygotes.

Submissions (2):

PreventionGenetics, part of Exact Sciences
Classification: Uncertain significance for TTN-related condition. Last evaluated: 2023-05-25. Review status: criteria provided, single submitter. Criteria: ACMG Guidelines, 2015. Collection method: clinical testing. Allele origin: germline.
Comment: The TTN c.79241G>A variant is predicted to result in the amino acid substitution p.Gly26414Asp. To our knowledge, this variant has not been reported in the literature. This variant is reported in 0.0065% of alleles in individuals of African descent in gnomAD. At this time, the clinical significance of this variant is uncertain due to the absence of conclusive functional and genetic evidence.

Ambry Genetics
Classification: Uncertain significance for Cardiovascular phenotype. Last evaluated: 2020-03-03. Review status: criteria provided, single submitter. Criteria: Ambry Variant Classification Scheme 2023. Collection method: clinical testing. Allele origin: germline.
Comment: The p.G17349D variant (also known as c.52046G>A), located in coding exon 153 of the TTN gene, results from a G to A substitution at nucleotide position 52046. The glycine at codon 17349 is replaced by aspartic acid, an amino acid with similar properties. This amino acid position is highly conserved in available vertebrate species. In addition, the in silico prediction for this alteration is inconclusive. Since supporting evidence is limited at this time, the clinical significance of this alteration remains unclear.